The following is an entry in ClinVar:

NM_003172.4(SURF1):c.841C>T (p.Leu281Phe)

Gene: SURF1 (SURF1 cytochrome c oxidase assembly factor; minus strand). Cytogenetic location: 9q34.2.
Variant type: single nucleotide variant.
Coding change: c.841C>T on transcript NM_003172.4 (MANE Select); coding-DNA position 841, C replaced by T.
Protein change: p.Leu281Phe; replaces leucine 281 with phenylalanine.
Molecular consequence: missense variant.
Genome position (GRCh38, 1-based): chr9:133,351,975, G>A on the plus strand (C>T on the coding strand, the complement: SURF1 is on the minus strand). VCF-style: chr9-133351975-G-A. GRCh37 (hg19) VCF-style: chr9-136218830-G-A.
Other names: c.514C>T, p.Leu172Phe (NM_001280787.1); short protein forms L172F, L281F.
Identifiers: ClinVar variation 4536009 (VCV004536009.1).
Genomic context (GRCh38, chr9:133,351,975, plus strand): 5'-ACACACCAGGTGTCCCACGTAGGAATTTCTTAAACCACAGGTAGGATGTAGCTGCAGAGA[G>A]TCCATACCTAGGGGTTGAAAGCAAGCCAGCATTAGCAGGCTGCTAGGCTGAAGGGGAGGA-3'
Protein context (NP_003163.1, residues 271-291): HLQYIVTWYG[Leu281Phe]SAATSYLWFK

ClinVar aggregate classification (germline): Uncertain significance (1 of 4 stars; one submission).

Submission:

Women's Health and Genetics/Laboratory Corporation of America, LabCorp
Classification: Uncertain significance. Last evaluated: 2025-09-24. Review status: criteria provided, single submitter. Criteria: LabCorp Variant Classification Summary - May 2015. Collection method: clinical testing. Allele origin: germline.
Comment: Variant summary: SURF1 c.841C>T (p.Leu281Phe) results in a non-conservative amino acid change in the encoded protein sequence. Algorithms developed to predict the effect of missense changes on protein structure and function all suggest that this variant is likely to be disruptive. The variant was absent in 250496 control chromosomes. The available data on variant occurrences in the general population are insufficient to allow any conclusion about variant significance. To our knowledge, no occurrence of c.841C>T in individuals affected with SURF1-related conditions and no experimental evidence demonstrating its impact on protein function have been reported. No submitters have cited clinical-significance assessments for this variant to ClinVar. Based on the evidence outlined above, the variant was classified as uncertain significance.